The following is an entry in ClinVar:

NM_022489.4(INF2):c.233T>A (p.Leu78Gln)

Gene: INF2 (inverted formin 2; plus strand). Cytogenetic location: 14q32.33.
Variant type: single nucleotide variant.
Coding change: c.233T>A on transcript NM_022489.4 (MANE Select); coding-DNA position 233, T replaced by A.
Protein change: p.Leu78Gln; replaces leucine 78 with glutamine.
Molecular consequence: missense variant.
Genome position (GRCh38, 1-based): chr14:104,701,598, T>A. VCF-style: chr14-104701598-T-A. GRCh37 (hg19) VCF-style: chr14-105167935-T-A.
Other names: c.233T>A, p.Leu78Gln (NM_001031714.4, NM_032714.3); short protein forms L78Q.
Identifiers: ClinVar variation 857188 (VCV000857188.9), dbSNP rs1889500121, ClinGen allele CA391225576.

ClinVar aggregate classification (germline): Uncertain significance (1 of 4 stars; one submission).

Conditions:
Focal segmental glomerulosclerosis 5 (FSGS5). Identifiers: Orphanet 656, MedGen C2750475, MONDO:0013191, OMIM 613237.
Charcot-Marie-Tooth disease dominant intermediate E. Also called: CHARCOT-MARIE-TOOTH NEUROPATHY WITH FOCAL SEGMENTAL GLOMERULONEPHRITIS. Identifiers: Orphanet 93114, MedGen C4302667, MONDO:0013758, OMIM 614455.

Allele frequency attached by ClinVar (database versions not stated): gnomAD exomes below 0.00001.
gnomAD v4.1: 1 of 1,606,234 alleles (0.000062%); highest among the groups gnomAD compares: Non-Finnish European, 0.000085%; no homozygotes.

Submission:

Labcorp Genetics (formerly Invitae), Labcorp
Classification: Uncertain significance for Charcot-Marie-Tooth disease dominant intermediate E; Focal segmental glomerulosclerosis 5. Last evaluated: 2019-02-13. Review status: criteria provided, single submitter. Criteria: Invitae Variant Classification Sherloc (09022015). Collection method: clinical testing. Allele origin: germline.
Comment: In summary, the available evidence is currently insufficient to determine the role of this variant in disease. Therefore, it has been classified as a Variant of Uncertain Significance. Algorithms developed to predict the effect of sequence changes on RNA splicing suggest that this variant may create or strengthen a splice site, but this prediction has not been confirmed by published transcriptional studies. Algorithms developed to predict the effect of missense changes on protein structure and function (SIFT, PolyPhen-2, Align-GVGD) all suggest that this variant is likely to be disruptive, but these predictions have not been confirmed by published functional studies and their clinical significance is uncertain. This variant has not been reported in the literature in individuals with INF2-related conditions. This variant is not present in population databases (ExAC no frequency). This sequence change replaces leucine with glutamine at codon 78 of the INF2 protein (p.Leu78Gln). The leucine residue is highly conserved and there is a moderate physicochemical difference between leucine and glutamine.